The following is an entry in ClinVar:

ClinVar aggregate classification (germline): Likely benign (1 of 4 stars; one submission).

gnomAD v4.1: 413 of 1,553,480 alleles (0.027%); highest among the groups gnomAD compares: Non-Finnish European, 0.035%; no homozygotes.

Submission:

Mayo Clinic Laboratories, Mayo Clinic
Classification: Likely benign. Last evaluated: 2024-11-06. Review status: criteria provided, single submitter. Criteria: ACMG Guidelines, 2015. Collection method: clinical testing. Allele origin: germline. Observed: 1 variant allele.
Comment: BP4, BP7

NM_138694.4(PKHD1):c.8108-21G>A

Gene: PKHD1 (PKHD1 ciliary IPT domain containing fibrocystin/polyductin; minus strand). Cytogenetic location: 6p12.2.
Variant type: single nucleotide variant.
Coding change: c.8108-21G>A on transcript NM_138694.4 (MANE Select); 21 bases into the intron before coding-DNA position 8108, G replaced by A.
Molecular consequence: intron variant.
Genome position (GRCh38, 1-based): chr6:51,836,490, C>T on the plus strand (G>A on the coding strand, the complement: PKHD1 is on the minus strand). VCF-style: chr6-51836490-C-T. GRCh37 (hg19) VCF-style: chr6-51701288-C-T.
Other names: p.?; c.8108-21G>A (NM_170724.3).
Identifiers: ClinVar variation 4683194 (VCV004683194.1).